The following is an entry in ClinVar:

NM_182914.3(SYNE2):c.13747A>C (p.Ser4583Arg)

Gene: SYNE2 (spectrin repeat containing nuclear envelope protein 2; plus strand). Cytogenetic location: 14q23.2.
Variant type: single nucleotide variant.
Coding change: c.13747A>C on transcript NM_182914.3 (MANE Select); coding-DNA position 13747, A replaced by C.
Protein change: p.Ser4583Arg; replaces serine 4583 with arginine.
Molecular consequence: missense variant.
Genome position (GRCh38, 1-based): chr14:64,126,637, A>C. VCF-style: chr14-64126637-A-C. GRCh37 (hg19) VCF-style: chr14-64593355-A-C.
Other names: c.13747A>C, p.Ser4583Arg (NM_015180.6); short protein forms S4583R.
Identifiers: ClinVar variation 282040 (VCV000282040.9), dbSNP rs886042291, ClinGen allele CA10604048.
Genomic context (GRCh38, chr14:64,126,637, plus strand): 5'-CTTCCTTCCTCTCCACTCCAGACGCTGGCTCTTGAGTTGAAGAAACTTTATTTAGCGCTA[A>C]GTGACAAGAAGGGTGATCTTTTGAAAGCCATGACTTGGCCTGGCGAGAACACCAACTTGC-3'
Protein context (NP_878918.2, residues 4573-4593): LELKKLYLAL[Ser4583Arg]DKKGDLLKAM

ClinVar aggregate classification (germline): Uncertain significance. Review status: criteria provided, multiple submitters, no conflicts (2 of 4 stars). 2 submissions from 2 submitters: Uncertain significance (2). Last evaluated 2022-03-31.

Conditions:
Emery-Dreifuss muscular dystrophy 5, autosomal dominant (EDMD5). Also called: EMERY-DREIFUSS MUSCULAR DYSTROPHY 5. Identifiers: Orphanet 261, MedGen C2751805, MONDO:0013072, OMIM 612999.

Allele frequency attached by ClinVar (database versions not stated): gnomAD exomes below 0.00001 and 0.00001; gnomAD 0.00001; TOPMed 0.00001.
gnomAD v4.1: 5 of 1,614,192 alleles (0.00031%); highest among the groups gnomAD compares: Non-Finnish European, 0.00042%; no homozygotes.

Submissions (2):

Labcorp Genetics (formerly Invitae), Labcorp
Classification: Uncertain significance for Emery-Dreifuss muscular dystrophy 5, autosomal dominant. Last evaluated: 2022-03-31. Review status: criteria provided, single submitter. Criteria: Invitae Variant Classification Sherloc (09022015). Collection method: clinical testing. Allele origin: germline.
Comment: In summary, the available evidence is currently insufficient to determine the role of this variant in disease. Therefore, it has been classified as a Variant of Uncertain Significance. Algorithms developed to predict the effect of missense changes on protein structure and function (SIFT, PolyPhen-2, Align-GVGD) all suggest that this variant is likely to be tolerated. ClinVar contains an entry for this variant (Variation ID: 282040). This variant has not been reported in the literature in individuals affected with SYNE2-related conditions. This variant is present in population databases (no rsID available, gnomAD 0.0009%). This sequence change replaces serine, which is neutral and polar, with arginine, which is basic and polar, at codon 4583 of the SYNE2 protein (p.Ser4583Arg).

Eurofins Ntd Llc (ga)
Classification: Uncertain significance. Last evaluated: 2015-07-28. Review status: criteria provided, single submitter. Criteria: EGL Classification Definitions 2015. Collection method: clinical testing. Allele origin: germline. Observed: 1 variant allele, 1 heterozygote.